The following is an entry in ClinVar:

NM_201253.3(CRB1):c.1690G>T (p.Asp564Tyr)

Gene: CRB1 (crumbs cell polarity complex component 1; plus strand). Cytogenetic location: 1q31.3.
Variant type: single nucleotide variant.
Coding change: c.1690G>T on transcript NM_201253.3 (MANE Select); coding-DNA position 1690, G replaced by T.
Protein change: p.Asp564Tyr; replaces aspartic acid 564 with tyrosine.
Molecular consequence: missense variant. On other transcripts: non-coding transcript variant (2).
Genome position (GRCh38, 1-based): chr1:197,421,518, G>T. VCF-style: chr1-197421518-G-T. GRCh37 (hg19) VCF-style: chr1-197390648-G-T.
Other names: c.1354G>T, p.Asp452Tyr (NM_001193640.2); c.1483G>T, p.Asp495Tyr (NM_001257965.2); c.1690G>T, p.Asp564Tyr (NM_001257966.2); c.1690G>T (NM_201253.2); short protein forms D452Y, D495Y, D564Y.
Identifiers: ClinVar variation 3233624 (VCV003233624.8), dbSNP rs757279881, ClinGen allele CA344032088.

ClinVar aggregate classification (germline): Pathogenic/Likely pathogenic. Review status: criteria provided, multiple submitters, no conflicts (2 of 4 stars). 5 submissions from 5 submitters: Pathogenic (2); Likely pathogenic (3). Last evaluated 2024-07-11.

Conditions:
Pigmented paravenous retinochoroidal atrophy. Identifiers: Orphanet 251295, MedGen C1868310, MONDO:0008246, OMIM 172870.
Retinitis pigmentosa 12 (RP12). Also called: RP WITH OR WITHOUT PPRPE; RP WITH OR WITHOUT PRESERVED PARAARTERIOLE RETINAL PIGMENT EPITHELIUM; RETINITIS PIGMENTOSA WITH OR WITHOUT PARAARTERIOLAR PRESERVATION OF RETINAL PIGMENT EPITHELIUM. Identifiers: Orphanet 791, MedGen C1838647, MONDO:0010818, OMIM 600105.
Leber congenital amaurosis 8 (LCA8). Identifiers: Orphanet 65, MedGen C3151202, MONDO:0013453, OMIM 613835.
Leber congenital amaurosis (LCA). Also called: Leber's amaurosis. Identifiers: Orphanet 65, MedGen C0339527, MeSH D057130, MONDO:0018998.
Retinal dystrophy. Also called: Inherited retinal dystrophy. Identifiers: Orphanet 71862, MedGen C0854723, MeSH D058499, MONDO:0019118, HP:0000556.

gnomAD v4.1: 1 of 1,614,220 alleles (0.000062%); highest among the groups gnomAD compares: Non-Finnish European, 0.000085%; no homozygotes.

Submissions (5):

Natera, Inc.
Classification: Likely pathogenic for Leber congenital amaurosis. Last evaluated: 2024-07-11. Review status: criteria provided, single submitter. Criteria: Natera Variant Classification Schema (03/2026). Collection method: clinical testing. Allele origin: germline.
Comment: The c.1690G>T variant in CRB1 is a missense variant predicted to cause substitution of aspartic acid to tyrosine at amino acid 564. This variant is rare in the general population with a frequency below the threshold expected for the associated phenotype(s). This variant has been observed in one or more individuals affected with the associated recessive disease, as either homozygous or compound heterozygous with a second variant (PMID: 23379534, 35119454, 35119454, 18055816, 33633436, 35672425). Additionally, this variant has been observed to segregate in affected family members (PMID: 18055816). Computational prediction algorithms indicate this variant is likely to affect gene or protein function. Given the available evidence, this variant is classified as Likely Pathogenic.

Baylor Genetics
Classification: Pathogenic for Leber congenital amaurosis 8. Last evaluated: 2024-03-26. Review status: criteria provided, single submitter. Criteria: ACMG Guidelines, 2015. Collection method: clinical testing. Allele origin: unknown.

Fulgent Genetics
Classification: Likely pathogenic for Pigmented paravenous retinochoroidal atrophy; Retinitis pigmentosa 12; Leber congenital amaurosis 8. Last evaluated: 2024-03-06. Review status: criteria provided, single submitter. Criteria: ACMG Guidelines, 2015. Collection method: clinical testing. Allele origin: germline.

Women's Health and Genetics/Laboratory Corporation of America, LabCorp
Classification: Likely pathogenic for Retinal dystrophy. Last evaluated: 2024-03-06. Review status: criteria provided, single submitter. Criteria: LabCorp Variant Classification Summary - May 2015. Collection method: clinical testing. Allele origin: germline.
Comment: Variant summary: CRB1 c.1690G>T (p.Asp564Tyr) results in a non-conservative amino acid change located in the Laminin G domain (IPR001791) of the encoded protein sequence. Five of five in-silico tools predict a damaging effect of the variant on protein function. The variant was absent in 251246 control chromosomes (gnomAD). c.1690G>T has been reported in the literature in individuals affected with Leber congenital amaurosis and Retinitis pigmentosa (examples: Vallespin_2007, Corton_2013, Bouzidi_2021, Ganapathi_2022). These data indicate that the variant is likely to be associated with disease. The following publications have been ascertained in the context of this evaluation (PMID: 35551639, 23379534, 35672425, 18055816). No submitters have cited clinical-significance assessments for this variant to ClinVar. Based on the evidence outlined above, the variant was classified as likely pathogenic.

Labcorp Genetics (formerly Invitae), Labcorp
Classification: Pathogenic for Leber congenital amaurosis 8; Retinitis pigmentosa 12. Last evaluated: 2024-02-07. Review status: criteria provided, single submitter. Criteria: Invitae Variant Classification Sherloc (09022015). Collection method: clinical testing. Allele origin: germline.
Comment: This sequence change replaces aspartic acid, which is acidic and polar, with tyrosine, which is neutral and polar, at codon 564 of the CRB1 protein (p.Asp564Tyr). This variant is not present in population databases (gnomAD no frequency). This missense change has been observed in individual(s) with Leber congenital amaurosis or retinitis pigmentosa (PMID: 23379534). In at least one individual the data is consistent with being in trans (on the opposite chromosome) from a pathogenic variant. It has also been observed to segregate with disease in related individuals. Advanced modeling of protein sequence and biophysical properties (such as structural, functional, and spatial information, amino acid conservation, physicochemical variation, residue mobility, and thermodynamic stability) has been performed at Invitae for this missense variant, however the output from this modeling did not meet the statistical confidence thresholds required to predict the impact of this variant on CRB1 protein function. For these reasons, this variant has been classified as Pathogenic.

Literature cited by the submitters: PubMed 23379534 (cited by 3 submitters); PubMed 35119454 (cited by Natera, Inc.); PubMed 18055816 (cited by Natera, Inc. and Women's Health and Genetics/Laboratory Corporation of America, LabCorp); PubMed 33633436 (cited by Natera, Inc.); PubMed 35672425 (cited by Natera, Inc. and Women's Health and Genetics/Laboratory Corporation of America, LabCorp); PubMed 35551639 (cited by Women's Health and Genetics/Laboratory Corporation of America, LabCorp).